The following is an entry in ClinVar:

NM_000238.4(KCNH2):c.3063C>T (p.Ser1021=)

Gene: KCNH2 (potassium voltage-gated channel subfamily H member 2; minus strand). Cytogenetic location: 7q36.1.
Variant type: single nucleotide variant.
Coding change: c.3063C>T on transcript NM_000238.4 (MANE Select); coding-DNA position 3063, C replaced by T.
Protein change: p.Ser1021=; no amino-acid change (serine 1021 retained).
Molecular consequence: synonymous variant.
Genome position (GRCh38, 1-based): chr7:150,947,417, G>A on the plus strand (C>T on the coding strand, the complement: KCNH2 is on the minus strand). VCF-style: chr7-150947417-G-A. GRCh37 (hg19) VCF-style: chr7-150644505-G-A.
Other names: c.3063C>T (NM_000238.2); c.2043C>T, p.Ser681= (NM_172057.3).
Identifiers: ClinVar variation 519304 (VCV000519304.31), dbSNP rs199767579, ClinGen allele CA036406.

ClinVar aggregate classification (germline): Benign/Likely benign. Review status: criteria provided, multiple submitters, no conflicts (2 of 4 stars). 12 submissions from 12 submitters: Benign (6); Likely benign (4). 2 of the submissions do not count toward it. Last evaluated 2026-02-03.

Conditions:
Cardiovascular phenotype. Identifiers: MedGen CN230736.
Cardiac arrhythmia. Also called: Arrhythmia; Cardiac rhythm disease. Identifiers: MedGen C0003811, MONDO:0007263, HP:0011675.
Short QT syndrome type 1. Identifiers: Orphanet 51083, MedGen C1865020, MONDO:0012312, OMIM 609620.
Long QT syndrome 2 (LQT2). Identifiers: Orphanet 101016, Orphanet 768, MedGen C3150943, MONDO:0013367, OMIM 613688.
Long QT syndrome (LQTS). Identifiers: MedGen C0023976, MeSH D008133, MONDO:0002442. Disease mechanism: loss of function. Inheritance: Various modes of inheritance.

Allele frequency attached by ClinVar (database versions not stated): gnomAD exomes 0.00007 and 0.00034; ESP Exome Variant Server 0.00018; gnomAD 0.00029 and 0.00040; TOPMed 0.00031; ExAC 0.00070; 1000 Genomes Project 30x 0.00156; 1000 Genomes Project 0.00200.
gnomAD v4.1: 195 of 1,553,608 alleles (0.013%); highest among the groups gnomAD compares: East Asian, 0.13%; no homozygotes.

Submissions (12):

Labcorp Genetics (formerly Invitae), Labcorp
Classification: Benign for Long QT syndrome. Last evaluated: 2026-02-03. Review status: criteria provided, single submitter. Criteria: Invitae Variant Classification Sherloc (09022015). Collection method: clinical testing. Allele origin: germline.

Molecular Diagnostic Laboratory for Inherited Cardiovascular Disease, Montreal Heart Institute
Classification: Likely benign. Last evaluated: 2025-04-09. Review status: criteria provided, single submitter. Criteria: ACMG Guidelines, 2015. Collection method: clinical testing. Allele origin: germline. Affected: no.

Blueprint Genetics
Classification: Likely benign. Last evaluated: 2024-08-27. Review status: criteria provided, single submitter. Criteria: ACMG Guidelines, 2015. Collection method: clinical testing. Allele origin: germline.

Women's Health and Genetics/Laboratory Corporation of America, LabCorp
Classification: Benign. Last evaluated: 2024-07-15. Review status: criteria provided, single submitter. Criteria: LabCorp Variant Classification Summary - May 2015. Collection method: clinical testing. Allele origin: germline.

All of Us Research Program, National Institutes of Health
Classification: Benign for Long QT syndrome. Last evaluated: 2024-02-05. Review status: criteria provided, single submitter. Criteria: ACMG Guidelines, 2015. Collection method: clinical testing. Allele origin: germline. Inheritance: Autosomal dominant inheritance. Observed: 36 variant alleles, 36 heterozygotes.
Comment: This study involves interpretation of variants in research participants for the purpose of population health screening. Participant phenotype was not available at the time of variant classification. Additional details can be found in publication PMID: 35346344, PMCID: PMC8962531

ARUP Laboratories, Molecular Genetics and Genomics, ARUP Laboratories
Classification: Benign. Last evaluated: 2023-08-31. Review status: criteria provided, single submitter. Criteria: ARUP Molecular Germline Variant Investigation Process 2024. Collection method: clinical testing. Allele origin: germline.

Fulgent Genetics
Classification: Likely benign for Short QT syndrome type 1; Long QT syndrome 2. Last evaluated: 2021-07-29. Review status: criteria provided, single submitter. Criteria: ACMG Guidelines, 2015. Collection method: clinical testing. Allele origin: unknown.

Color Diagnostics, LLC DBA Color Health
Classification: Benign for Arrhythmia. Last evaluated: 2018-10-22. Review status: criteria provided, single submitter. Criteria: ACMG Guidelines, 2015. Collection method: clinical testing. Allele origin: germline.

Ambry Genetics
Classification: Likely benign for Cardiovascular phenotype. Last evaluated: 2016-10-19. Review status: criteria provided, single submitter. Criteria: Ambry Variant Classification Scheme 2023. Collection method: clinical testing. Allele origin: germline.

GeneDx
Classification: Benign. Last evaluated: 2015-03-03. Review status: criteria provided, single submitter. Criteria: GeneDx Variant Classification Process June 2021. Collection method: clinical testing. Allele origin: germline. Affected: yes.

Clinical Genetics, Academic Medical Center
Classification: Benign. Review status: no assertion criteria provided. Collection method: clinical testing. Allele origin: germline. Affected: yes. Study: VKGL Data-share Consensus. Not counted in ClinVar's aggregate classification.

Joint Genome Diagnostic Labs from Nijmegen and Maastricht, Radboudumc and MUMC+
Classification: Likely benign. Review status: no assertion criteria provided. Collection method: clinical testing. Allele origin: germline. Affected: yes. Study: VKGL Data-share Consensus. Not counted in ClinVar's aggregate classification.